The following is an entry in ClinVar:

ClinVar aggregate classification (germline): Likely benign (1 of 4 stars; one submission).

Allele frequency attached by ClinVar (database versions not stated): ExAC 0.00001; 1000 Genomes Project 30x 0.00016; 1000 Genomes Project 0.00020.
gnomAD v4.1: 4 of 1,548,912 alleles (0.00026%); highest among the groups gnomAD compares: South Asian, 0.0049%; no homozygotes.

Submission:

CeGaT Center for Human Genetics Tuebingen
Classification: Likely benign. Last evaluated: 2024-03-01. Review status: criteria provided, single submitter. Criteria: CeGaT Center For Human Genetics Tuebingen Variant Classification Criteria Version 2. Collection method: clinical testing. Allele origin: germline. Affected: yes. Observed: 1 variant allele.
Comment: KIF1C: BP4, BP7

NM_006612.6(KIF1C):c.2877C>G (p.Gly959=)

Gene: KIF1C (kinesin family member 1C; plus strand). Cytogenetic location: 17p13.2.
Variant type: single nucleotide variant.
Coding change: c.2877C>G on transcript NM_006612.6 (MANE Select); coding-DNA position 2877, C replaced by G.
Protein change: p.Gly959=; no amino-acid change (glycine 959 retained).
Molecular consequence: synonymous variant.
Genome position (GRCh38, 1-based): chr17:5,023,716, C>G. VCF-style: chr17-5023716-C-G. GRCh37 (hg19) VCF-style: chr17-4927011-C-G.
Identifiers: ClinVar variation 3067336 (VCV003067336.21), dbSNP rs553779877, ClinGen allele CA8319417.